The following is an entry in ClinVar:

ClinVar aggregate classification (germline): Uncertain significance (1 of 4 stars; one submission).

gnomAD v4.1: 5 of 1,614,074 alleles (0.00031%); highest among the groups gnomAD compares: Non-Finnish European, 0.00042%; no homozygotes.

Submission:

Labcorp Genetics (formerly Invitae), Labcorp
Classification: Uncertain significance. Last evaluated: 2024-11-04. Review status: criteria provided, single submitter. Criteria: Invitae Variant Classification Sherloc (09022015). Collection method: clinical testing. Allele origin: germline.
Comment: This sequence change replaces glycine, which is neutral and non-polar, with arginine, which is basic and polar, at codon 1633 of the C2CD3 protein (p.Gly1633Arg). This variant is not present in population databases (gnomAD no frequency). This variant has not been reported in the literature in individuals affected with C2CD3-related conditions. Invitae Evidence Modeling of protein sequence and biophysical properties (such as structural, functional, and spatial information, amino acid conservation, physicochemical variation, residue mobility, and thermodynamic stability) indicates that this missense variant is not expected to disrupt C2CD3 protein function with a negative predictive value of 80%. In summary, the available evidence is currently insufficient to determine the role of this variant in disease. Therefore, it has been classified as a Variant of Uncertain Significance.

NM_001286577.2(C2CD3):c.4897G>A (p.Gly1633Arg)

Gene: C2CD3 (C2 domain containing 3 centriole elongation regulator; minus strand). Cytogenetic location: 11q13.4.
Variant type: single nucleotide variant.
Coding change: c.4897G>A on transcript NM_001286577.2 (MANE Select); coding-DNA position 4897, G replaced by A.
Protein change: p.Gly1633Arg; replaces glycine 1633 with arginine.
Molecular consequence: missense variant.
Genome position (GRCh38, 1-based): chr11:74,074,307, C>T on the plus strand (G>A on the coding strand, the complement: C2CD3 is on the minus strand). VCF-style: chr11-74074307-C-T. GRCh37 (hg19) VCF-style: chr11-73785352-C-T.
Other names: c.4897G>A, p.Gly1633Arg (NM_015531.6); short protein forms G1633R.
Identifiers: ClinVar variation 3698871 (VCV003698871.2).